The following is an entry in ClinVar:

NM_017654.4(SAMD9):c.334C>G (p.Gln112Glu)

Gene: SAMD9 (sterile alpha motif domain containing 9; minus strand). Cytogenetic location: 7q21.2.
Variant type: single nucleotide variant.
Coding change: c.334C>G on transcript NM_017654.4 (MANE Select); coding-DNA position 334, C replaced by G.
Protein change: p.Gln112Glu; replaces glutamine 112 with glutamic acid.
Molecular consequence: missense variant.
Genome position (GRCh38, 1-based): chr7:93,105,764, G>C on the plus strand (C>G on the coding strand, the complement: SAMD9 is on the minus strand). VCF-style: chr7-93105764-G-C. GRCh37 (hg19) VCF-style: chr7-92735077-G-C.
Other names: c.334C>G, p.Gln112Glu (NM_001193307.2); c.334C>G (NM_017654.3); short protein forms Q112E.
Identifiers: ClinVar variation 1005429 (VCV001005429.10), dbSNP rs1373862862, ClinGen allele CA368205468.

ClinVar aggregate classification (germline): Uncertain significance. Review status: criteria provided, multiple submitters, no conflicts (2 of 4 stars). 3 submissions from 3 submitters: Uncertain significance (3). Last evaluated 2025-07-31.

Conditions:
Inborn genetic diseases. Identifiers: MedGen C0950123, MeSH D030342.

Allele frequency attached by ClinVar (database versions not stated): gnomAD exomes below 0.00001 and 0.00001; gnomAD 0.00001; TOPMed 0.00001.
gnomAD v4.1: 3 of 1,613,826 alleles (0.00019%); highest among the groups gnomAD compares: African/African-American, 0.0027%; no homozygotes.

Submissions (3):

Ambry Genetics
Classification: Uncertain significance for Inborn genetic diseases. Last evaluated: 2025-07-31. Review status: criteria provided, single submitter. Criteria: Ambry Variant Classification Scheme 2023. Collection method: clinical testing. Allele origin: germline.
Comment: The p.Q112E variant (also known as c.334C>G), located in coding exon 1 of the SAMD9 gene, results from a C to G substitution at nucleotide position 334. The glutamine at codon 112 is replaced by glutamic acid, an amino acid with highly similar properties. This amino acid position is conserved. In addition, this alteration is predicted to be tolerated by in silico analysis. Based on the available evidence, the clinical significance of this variant remains unclear.

Labcorp Genetics (formerly Invitae), Labcorp
Classification: Uncertain significance. Last evaluated: 2024-10-21. Review status: criteria provided, single submitter. Criteria: Invitae Variant Classification Sherloc (09022015). Collection method: clinical testing. Allele origin: germline.
Comment: This sequence change replaces glutamine, which is neutral and polar, with glutamic acid, which is acidic and polar, at codon 112 of the SAMD9 protein (p.Gln112Glu). This variant is present in population databases (no rsID available, gnomAD 0.01%). This variant has not been reported in the literature in individuals affected with SAMD9-related conditions. ClinVar contains an entry for this variant (Variation ID: 1005429). Invitae Evidence Modeling of protein sequence and biophysical properties (such as structural, functional, and spatial information, amino acid conservation, physicochemical variation, residue mobility, and thermodynamic stability) indicates that this missense variant is not expected to disrupt SAMD9 protein function with a negative predictive value of 95%. In summary, the available evidence is currently insufficient to determine the role of this variant in disease. Therefore, it has been classified as a Variant of Uncertain Significance.

GeneDx
Classification: Uncertain significance. Last evaluated: 2022-10-13. Review status: criteria provided, single submitter. Criteria: GeneDx Variant Classification Process June 2021. Collection method: clinical testing. Allele origin: germline. Affected: yes.
Comment: Not observed at significant frequency in large population cohorts (gnomAD); In silico analysis supports that this missense variant does not alter protein structure/function; Has not been previously published as pathogenic or benign to our knowledge